The following is an entry in ClinVar:

ClinVar aggregate classification (germline): Uncertain significance (1 of 4 stars; one submission).

Submission:

GeneDx
Classification: Uncertain significance. Last evaluated: 2025-08-07. Review status: criteria provided, single submitter. Criteria: GeneDx Variant Classification Process June 2021. Collection method: clinical testing. Allele origin: germline. Affected: yes.
Comment: Not observed at significant frequency in large population cohorts (gnomAD); In silico analysis suggests that this missense variant does not alter protein structure/function; Has not been previously published as pathogenic or benign to our knowledge

NM_015215.4(CAMTA1):c.2024T>G (p.Met675Arg)

Gene: CAMTA1 (calmodulin binding transcription activator 1; plus strand). Cytogenetic location: 1p36.23.
Variant type: single nucleotide variant.
Coding change: c.2024T>G on transcript NM_015215.4 (MANE Select); coding-DNA position 2024, T replaced by G.
Protein change: p.Met675Arg; replaces methionine 675 with arginine.
Molecular consequence: missense variant.
Genome position (GRCh38, 1-based): chr1:7,664,571, T>G. VCF-style: chr1-7664571-T-G. GRCh37 (hg19) VCF-style: chr1-7724631-T-G.
Other names: c.1934T>G, p.Met645Arg (NM_001349608.2, NM_001349612.2); c.2024T>G, p.Met675Arg (NM_001349609.2, NM_001349610.2, NM_001410737.1); c.1952T>G, p.Met651Arg (NM_001410738.1); short protein forms M645R, M651R, M675R.
Identifiers: ClinVar variation 4755968 (VCV004755968.1).